The following is an entry in ClinVar:

ClinVar aggregate classification (germline): Uncertain significance (1 of 4 stars; one submission).

Submission:

Labcorp Genetics (formerly Invitae), Labcorp
Classification: Uncertain significance. Last evaluated: 2026-01-14. Review status: criteria provided, single submitter. Criteria: Invitae Variant Classification Sherloc (09022015). Collection method: clinical testing. Allele origin: germline.
Comment: This sequence change replaces valine, which is neutral and non-polar, with isoleucine, which is neutral and non-polar, at codon 187 of the SLC25A32 protein (p.Val187Ile). This variant is not present in population databases (gnomAD no frequency). This variant has not been reported in the literature in individuals affected with SLC25A32-related conditions. Invitae Evidence Modeling of protein sequence and biophysical properties (such as structural, functional, and spatial information, amino acid conservation, physicochemical variation, residue mobility, and thermodynamic stability) indicates that this missense variant is not expected to disrupt SLC25A32 protein function with a negative predictive value of 80%. In summary, the available evidence is currently insufficient to determine the role of this variant in disease. Therefore, it has been classified as a Variant of Uncertain Significance.

NM_030780.5(SLC25A32):c.559G>A (p.Val187Ile)

Gene: SLC25A32 (solute carrier family 25 member 32; minus strand). Cytogenetic location: 8q22.3.
Variant type: single nucleotide variant.
Coding change: c.559G>A on transcript NM_030780.5 (MANE Select); coding-DNA position 559, G replaced by A.
Protein change: p.Val187Ile; replaces valine 187 with isoleucine.
Molecular consequence: missense variant. On other transcripts: non-coding transcript variant (2).
Genome position (GRCh38, 1-based): chr8:103,402,048, C>T on the plus strand (G>A on the coding strand, the complement: SLC25A32 is on the minus strand). VCF-style: chr8-103402048-C-T. GRCh37 (hg19) VCF-style: chr8-104414276-C-T.
Other names: short protein forms V187I.
Identifiers: ClinVar variation 4746617 (VCV004746617.1).
Genomic context (GRCh38, chr8:103,402,048, plus strand): 5'-TCAGCAATTCATATGCCATAAACTGAAGGGCACCATGCGATGTTCCAAACAGCCCAGGAA[C>T]AAATCCCTACAAGGGAATGATTTTTAAAAAGCAAAACAACATACGTTTGAAGAACAATAT-3'
Protein context (NP_110407.2, residues 177-197): EGVRGLYKGF[Val187Ile]PGLFGTSHGA